The following is an entry in ClinVar:

ClinVar aggregate classification (germline): Uncertain significance (1 of 4 stars; one submission).

Submission:

Labcorp Genetics (formerly Invitae), Labcorp
Classification: Uncertain significance. Last evaluated: 2022-04-07. Review status: criteria provided, single submitter. Criteria: Invitae Variant Classification Sherloc (09022015). Collection method: clinical testing. Allele origin: germline.
Comment: This sequence change falls in intron 25 of the COL9A1 gene. It does not directly change the encoded amino acid sequence of the COL9A1 protein. It affects a nucleotide within the consensus splice site. In summary, the available evidence is currently insufficient to determine the role of this variant in disease. Therefore, it has been classified as a Variant of Uncertain Significance. Variants that disrupt the consensus splice site are a relatively common cause of aberrant splicing (PMID: 17576681, 9536098). Algorithms developed to predict the effect of sequence changes on RNA splicing suggest that this variant is not likely to affect RNA splicing. This variant has not been reported in the literature in individuals affected with COL9A1-related conditions. This variant is not present in population databases (gnomAD no frequency).

Literature cited by the submitters: PubMed 17576681; PubMed 9536098.

NM_001851.6(COL9A1):c.1719+3A>G

Gene: COL9A1 (collagen type IX alpha 1 chain; minus strand). Cytogenetic location: 6q13.
Variant type: single nucleotide variant.
Coding change: c.1719+3A>G on transcript NM_001851.6 (MANE Select); 3 bases into the intron after coding-DNA position 1719, A replaced by G.
Molecular consequence: intron variant.
Genome position (GRCh38, 1-based): chr6:70,254,473, T>C on the plus strand (A>G on the coding strand, the complement: COL9A1 is on the minus strand). VCF-style: chr6-70254473-T-C. GRCh37 (hg19) VCF-style: chr6-70964176-T-C.
Other names: c.990+3A>G (NM_001377290.1, NM_078485.4); c.1020+3A>G (NM_001377289.1).
Identifiers: ClinVar variation 2089591 (VCV002089591.4), dbSNP rs2483312165, ClinGen allele CA2580075707.
Genomic context (GRCh38, chr6:70,254,473, plus strand): 5'-CAAAATGTATATCTTTAAAACATGTATATAAACCAATTAACATGTAAAGAATCAAATACT[T>C]ACTGGTAACCCCTGCAATCCTGCATCACCAGGAGGCCCAGGTTTTCCTGGTTCACCCTGC-3'